The following is an entry in ClinVar:

NM_003105.6(SORL1):c.4456C>A (p.Pro1486Thr)

Genes: SORL1 (sortilin related receptor 1; plus strand), LOC126861368 (P300/CBP strongly-dependent group 1 enhancer GRCh37_chr11:121465964-121467163; plus strand). Cytogenetic location: 11q24.1.
Variant type: single nucleotide variant.
Coding change: c.4456C>A on transcript NM_003105.6 (MANE Select); coding-DNA position 4456, C replaced by A.
Protein change: p.Pro1486Thr; replaces proline 1486 with threonine.
Molecular consequence: missense variant.
Genome position (GRCh38, 1-based): chr11:121,595,709, C>A. VCF-style: chr11-121595709-C-A. GRCh37 (hg19) VCF-style: chr11-121466418-C-A.
Other names: short protein forms P1486T.
Identifiers: ClinVar variation 1719087 (VCV001719087.6), dbSNP rs2496962726, ClinGen allele CA383035128.

ClinVar aggregate classification (germline): Uncertain significance (1 of 4 stars; one submission).

Submission:

Labcorp Genetics (formerly Invitae), Labcorp
Classification: Uncertain significance. Last evaluated: 2022-09-09. Review status: criteria provided, single submitter. Criteria: Invitae Variant Classification Sherloc (09022015). Collection method: clinical testing. Allele origin: germline.
Comment: In summary, the available evidence is currently insufficient to determine the role of this variant in disease. Therefore, it has been classified as a Variant of Uncertain Significance. Algorithms developed to predict the effect of missense changes on protein structure and function are either unavailable or do not agree on the potential impact of this missense change (SIFT: "Tolerated"; PolyPhen-2: "Probably Damaging"; Align-GVGD: "Class C0"). This variant has not been reported in the literature in individuals affected with SORL1-related conditions. This variant is not present in population databases (gnomAD no frequency). This sequence change replaces proline, which is neutral and non-polar, with threonine, which is neutral and polar, at codon 1486 of the SORL1 protein (p.Pro1486Thr).